The following is an entry in ClinVar:

ClinVar aggregate classification (germline): Conflicting classifications of pathogenicity. Review status: criteria provided, conflicting classifications (1 of 4 stars). 3 submissions from 3 submitters: Uncertain significance (1); Likely benign (2). Last evaluated 2026-02-01.

Allele frequency attached by ClinVar (database versions not stated): gnomAD 0.00001 and 0.00002; gnomAD exomes 0.00001 and 0.00003; ExAC 0.00002; TOPMed 0.00003; 1000 Genomes Project 30x 0.00016; 1000 Genomes Project 0.00020.

Submissions (3):

CeGaT Center for Human Genetics Tuebingen
Classification: Uncertain significance. Last evaluated: 2026-02-01. Review status: criteria provided, single submitter. Criteria: CeGaT Center For Human Genetics Tuebingen Variant Classification Criteria Version 2. Collection method: clinical testing. Allele origin: germline. Affected: yes. Observed: 1 variant allele.
Comment: LTBP4: PM2, BP4

Labcorp Genetics (formerly Invitae), Labcorp
Classification: Likely benign. Last evaluated: 2025-07-28. Review status: criteria provided, single submitter. Criteria: Invitae Variant Classification Sherloc (09022015). Collection method: clinical testing. Allele origin: germline.

Breakthrough Genomics
Classification: Likely benign. Review status: criteria provided, single submitter. Criteria: ACMG Guidelines, 2015. Collection method: not provided. Allele origin: germline. Inheritance: Autosomal recessive inheritance. Affected: yes.

NM_001042545.2(LTBP4):c.3986-4C>T

Gene: LTBP4 (latent transforming growth factor beta binding protein 4; plus strand). Cytogenetic location: 19q13.2.
Variant type: single nucleotide variant.
Coding change: c.3986-4C>T on transcript NM_001042545.2 (MANE Select); 4 bases into the intron before coding-DNA position 3986, C replaced by T.
Molecular consequence: intron variant.
Genome position (GRCh38, 1-based): chr19:40,626,971, C>T. VCF-style: chr19-40626971-C-T. GRCh37 (hg19) VCF-style: chr19-41132876-C-T.
Other names: c.4076-4C>T (NM_003573.2); c.4187-4C>T (NM_001042544.1).
Identifiers: ClinVar variation 1587452 (VCV001587452.13), dbSNP rs530086140, ClinGen allele CA9449203.